The following is an entry in ClinVar:

NM_000747.3(CHRNB1):c.1218-9_1218-7del

Gene: CHRNB1 (cholinergic receptor nicotinic beta 1 subunit; plus strand). Cytogenetic location: 17p13.1.
Variant type: Microsatellite.
Coding change: c.1218-9_1218-7del on transcript NM_000747.3 (MANE Select); 9 bases into the intron before coding-DNA position 1218 through 7 bases into the intron before coding-DNA position 1218, 3 bases deleted (CTC; older notation c.1218-9_1218-7delCTC).
Molecular consequence: intron variant.
Genome position (GRCh38, 1-based): chr17:7,455,785-7,455,787, CTC deleted; deleting any 3 consecutive bases within chr17:7,455,782-7,455,787 gives the same sequence; the c. name uses the placement nearest the transcript's 3' end. VCF-style (leftmost placement, unchanged base first): chr17-7455781-ACTC-A. GRCh37 (hg19) VCF-style: chr17-7359100-ACTC-A.
Identifiers: ClinVar variation 504421 (VCV000504421.14), dbSNP rs781689096, ClinGen allele CA8348016.
Genomic context (GRCh38, chr17:7,455,781, plus strand): 5'-AGCTGGAGCGGGGCCTGGGTCGCCGGCACTGGCTGTCTTTGCGTTTGGGCGTGGCCAGTC[ACTC>A]CTCTTCCAGGTTCCAGCCTGAACTGTCTGCCCCTGATCTGCGGCGATTTATCGATGGTCC-3'

ClinVar aggregate classification (germline): Conflicting classifications of pathogenicity. Review status: criteria provided, conflicting classifications (1 of 4 stars). 4 submissions from 4 submitters: Pathogenic (1); Likely pathogenic (2); Uncertain significance (1). Last evaluated 2026-01-06.

Conditions:
Congenital myasthenic syndrome 2A. Also called: Myasthenic syndrome, congenital, 2a, slow-channel. Identifiers: Orphanet 590, MedGen C4225374, MONDO:0014581, OMIM 616313.
Congenital myasthenic syndrome 2C. Also called: Myasthenic syndrome, congenital, 2C, associated with acetylcholine receptor deficiency. Identifiers: Orphanet 590, MedGen C4225373, MONDO:0014582, OMIM 616314.

Submissions (4):

Labcorp Genetics (formerly Invitae), Labcorp
Classification: Pathogenic for Congenital myasthenic syndrome 2A. Last evaluated: 2026-01-06. Review status: criteria provided, single submitter. Criteria: Invitae Variant Classification Sherloc (09022015). Collection method: clinical testing. Allele origin: germline.
Comment: This sequence change falls in intron 9 of the CHRNB1 gene. It does not directly change the encoded amino acid sequence of the CHRNB1 protein. This variant is present in population databases (rs781689096, gnomAD 0.09%). This variant has been observed in individual(s) with clinical features of autosomal recessive congenital myasthenic syndrome (PMID: 33296147; internal data). In at least one individual the data is consistent with being in trans (on the opposite chromosome) from a pathogenic variant. Algorithms developed to predict the effect of sequence changes on RNA splicing suggest that this variant may disrupt the consensus splice site. For these reasons, this variant has been classified as Pathogenic.

3billion
Classification: Likely pathogenic for Congenital myasthenic syndrome 2C. Last evaluated: 2025-11-03. Review status: criteria provided, single submitter. Criteria: ACMG Guidelines, 2015. Collection method: clinical testing. Allele origin: germline. Affected: yes.
Comment: The variant is observed at an extremely low frequency in the gnomAD v4.1.0 dataset (total allele frequency: 0.002%). Predicted Consequence/Location: Intron variant In silico tools predict the variant to alter splicing and produce an abnormal transcript [SpliceAI: 0.34 (>=0.2, moderate evidence for spliceogenicity)]. The variant has been reported to be in trans with a pathogenic variant as either compound heterozygous or homozygous in at least one similarly affected unrelated individual (PMID: 33296147). The variant has been reported at least twice as pathogenic without evidence for the classification (ClinVar ID: VCV000504421 /PMID: 33296147). Therefore, this variant is classified as Likely pathogenic according to the recommendation of ACMG/AMP guideline.

Blueprint Genetics
Classification: Uncertain significance. Last evaluated: 2021-10-21. Review status: criteria provided, single submitter. Criteria: ACMG Guidelines, 2015. Collection method: clinical testing. Allele origin: germline.

GeneDx
Classification: Likely pathogenic. Last evaluated: 2018-09-18. Review status: criteria provided, single submitter. Criteria: GeneDx Variant Classification (06012015). Collection method: clinical testing. Allele origin: germline. Affected: yes.
Comment: The c.1218-9_1218-7delCTC variant in the CHRNB1 gene has not been reported previously as a pathogenic variant nor as a benign variant, to our knowledge. This variant reduces the quality of the natural splice acceptor site in intron 9, and is expected to cause abnormal gene splicing. The c.1218-9_1218-7delCTC variant is not observed at a significant frequency in large population cohorts (Lek et al., 2016). We interpret c.1218-9_1218-7delCTC as a likely pathogenic variant.

Literature cited by the submitters: PubMed 33296147 (cited by Labcorp Genetics (formerly Invitae), Labcorp and 3billion).